The following is an entry in ClinVar:

NM_174934.4(SCN4B):c.223G>A (p.Ala75Thr)

Gene: SCN4B (sodium voltage-gated channel beta subunit 4; minus strand). Cytogenetic location: 11q23.3.
Variant type: single nucleotide variant.
Coding change: c.223G>A on transcript NM_174934.4 (MANE Select); coding-DNA position 223, G replaced by A.
Protein change: p.Ala75Thr; replaces alanine 75 with threonine.
Molecular consequence: missense variant. On other transcripts: 5 prime UTR variant (1), non-coding transcript variant (1), intron variant (1).
Genome position (GRCh38, 1-based): chr11:118,145,068, C>T on the plus strand (G>A on the coding strand, the complement: SCN4B is on the minus strand). VCF-style: chr11-118145068-C-T. GRCh37 (hg19) VCF-style: chr11-118015783-C-T.
Other names: c.-108G>A (NM_001142349.2); c.62-3732G>A (NM_001142348.2); short protein forms A75T.
Identifiers: ClinVar variation 1788256 (VCV001788256.5), dbSNP rs1265062815, ClinGen allele CA382778516.

ClinVar aggregate classification (germline): Conflicting classifications of pathogenicity. Review status: criteria provided, conflicting classifications (1 of 4 stars). 2 submissions from 2 submitters: Uncertain significance (1); Likely benign (1). Last evaluated 2026-04-15.

Conditions:
Cardiovascular phenotype. Identifiers: MedGen CN230736.
Long QT syndrome 10 (LQT10). Identifiers: Orphanet 101016, Orphanet 768, MedGen C2678484, MONDO:0012737, OMIM 611819.

Allele frequency attached by ClinVar (database versions not stated): gnomAD exomes below 0.00001; TOPMed 0.00002.
gnomAD v4.1: 2 of 1,614,022 alleles (0.00012%); highest among the groups gnomAD compares: Non-Finnish European, 0.00017%; no homozygotes.

Submissions (2):

Ambry Genetics
Classification: Likely benign for Cardiovascular phenotype. Last evaluated: 2026-04-15. Review status: criteria provided, single submitter. Criteria: Ambry Variant Classification Scheme 2023. Collection method: clinical testing. Allele origin: germline.

Labcorp Genetics (formerly Invitae), Labcorp
Classification: Uncertain significance for Long QT syndrome 10. Last evaluated: 2025-08-26. Review status: criteria provided, single submitter. Criteria: Invitae Variant Classification Sherloc (09022015). Collection method: clinical testing. Allele origin: germline.
Comment: This sequence change replaces alanine, which is neutral and non-polar, with threonine, which is neutral and polar, at codon 75 of the SCN4B protein (p.Ala75Thr). This variant is present in population databases (no rsID available, gnomAD 0.003%). This variant has not been reported in the literature in individuals affected with SCN4B-related conditions. ClinVar contains an entry for this variant (Variation ID: 1788256). An algorithm developed to predict the effect of missense changes on protein structure and function outputs the following: PolyPhen-2: "Benign". The threonine amino acid residue is found in multiple mammalian species, which suggests that this missense change does not adversely affect protein function. In summary, the available evidence is currently insufficient to determine the role of this variant in disease. Therefore, it has been classified as a Variant of Uncertain Significance.